The following is an entry in ClinVar:

NM_000043.6(FAS):c.755A>G (p.Asn252Ser)

Gene: FAS (Fas cell surface death receptor; plus strand). Cytogenetic location: 10q23.31.
Variant type: single nucleotide variant.
Coding change: c.755A>G on transcript NM_000043.6 (MANE Select); coding-DNA position 755, A replaced by G.
Protein change: p.Asn252Ser; replaces asparagine 252 with serine.
Molecular consequence: missense variant. On other transcripts: 3 prime UTR variant (2), non-coding transcript variant (7).
Genome position (GRCh38, 1-based): chr10:89,014,197, A>G. VCF-style: chr10-89014197-A-G. GRCh37 (hg19) VCF-style: chr10-90773954-A-G.
Other names: c.*78A>G (NM_001320619.2); c.800A>G, p.Asn267Ser (NM_001410956.1); c.692A>G, p.Asn231Ser (NM_152871.4); c.*67A>G (NM_152872.4); short protein forms N231S, N252S, N267S.
Identifiers: ClinVar variation 3662868 (VCV003662868.2).

ClinVar aggregate classification (germline): Uncertain significance (1 of 4 stars; one submission).

Conditions:
Autoimmune lymphoproliferative syndrome type 1. Also called: AUTOIMMUNE LYMPHOPROLIFERATIVE SYNDROME, TYPE I, AUTOSOMAL DOMINANT. Identifiers: Orphanet 3261, MedGen C2717884, MONDO:0011158, OMIM 601859.

gnomAD v4.1: 3 of 1,613,970 alleles (0.00019%); highest among the groups gnomAD compares: Non-Finnish European, 0.00025%; no homozygotes.

Submission:

Labcorp Genetics (formerly Invitae), Labcorp
Classification: Uncertain significance for Autoimmune lymphoproliferative syndrome. Last evaluated: 2024-08-19. Review status: criteria provided, single submitter. Criteria: Invitae Variant Classification Sherloc (09022015). Collection method: clinical testing. Allele origin: germline.
Comment: This sequence change replaces asparagine, which is neutral and polar, with serine, which is neutral and polar, at codon 252 of the FAS protein (p.Asn252Ser). This variant is not present in population databases (gnomAD no frequency). This variant has not been reported in the literature in individuals affected with FAS-related conditions. Invitae Evidence Modeling of protein sequence and biophysical properties (such as structural, functional, and spatial information, amino acid conservation, physicochemical variation, residue mobility, and thermodynamic stability) indicates that this missense variant is expected to disrupt FAS protein function with a positive predictive value of 80%. In summary, the available evidence is currently insufficient to determine the role of this variant in disease. Therefore, it has been classified as a Variant of Uncertain Significance.